The following is an entry in ClinVar:

ClinVar aggregate classification (germline): Uncertain significance (1 of 4 stars; one submission).

Conditions:
Cockayne syndrome. Identifiers: Orphanet 191, MedGen C0009207, MONDO:0016006.
Fanconi anemia complementation group Q. Identifiers: Orphanet 84, MedGen C3808988, MONDO:0014108, OMIM 615272.
Xeroderma pigmentosum, group F (XPF). Also called: ERCC4-Related Xeroderma Pigmentosum; XERODERMA PIGMENTOSUM, TYPE F; Xeroderma pigmentosum, type 6; XERODERMA PIGMENTOSUM, COMPLEMENTATION GROUP F; XERODERMA PIGMENTOSUM VI; XP, GROUP F. Identifiers: MedGen C0268140, MONDO:0010215, OMIM 278760.

Allele frequency attached by ClinVar (database versions not stated): gnomAD exomes below 0.00001 and 0.00001; TOPMed below 0.00001; ExAC 0.00001; gnomAD 0.00001.
gnomAD v4.1: 4 of 1,604,638 alleles (0.00025%); highest among the groups gnomAD compares: African/African-American, 0.0027%; no homozygotes.

Submission:

Labcorp Genetics (formerly Invitae), Labcorp
Classification: Uncertain significance for Fanconi anemia complementation group Q; Xeroderma pigmentosum, group F; Cockayne syndrome. Last evaluated: 2021-06-18. Review status: criteria provided, single submitter. Criteria: Invitae Variant Classification Sherloc (09022015). Collection method: clinical testing. Allele origin: germline.
Comment: In summary, the available evidence is currently insufficient to determine the role of this variant in disease. Therefore, it has been classified as a Variant of Uncertain Significance. Algorithms developed to predict the effect of missense changes on protein structure and function are either unavailable or do not agree on the potential impact of this missense change (SIFT: "Tolerated"; PolyPhen-2: "Probably Damaging"; Align-GVGD: "Class C0"). This variant has not been reported in the literature in individuals with ERCC4-related conditions. This variant is present in population databases (rs752379459, ExAC 0.002%). This sequence change replaces aspartic acid with glycine at codon 42 of the ERCC4 protein (p.Asp42Gly). The aspartic acid residue is moderately conserved and there is a moderate physicochemical difference between aspartic acid and glycine.

NM_005236.3(ERCC4):c.125A>G (p.Asp42Gly)

Genes: ERCC4 (ERCC excision repair 4, endonuclease catalytic subunit; plus strand), LOC130058543 (ATAC-STARR-seq lymphoblastoid active region 10486; plus strand). Cytogenetic location: 16p13.12.
Variant type: single nucleotide variant.
Coding change: c.125A>G on transcript NM_005236.3 (MANE Select); coding-DNA position 125, A replaced by G.
Protein change: p.Asp42Gly; replaces aspartic acid 42 with glycine.
Molecular consequence: missense variant.
Genome position (GRCh38, 1-based): chr16:13,920,290, A>G. VCF-style: chr16-13920290-A-G. GRCh37 (hg19) VCF-style: chr16-14014147-A-G.
Other names: short protein forms D42G.
Identifiers: ClinVar variation 1414944 (VCV001414944.8), dbSNP rs752379459, ClinGen allele CA7910093.